The following is an entry in ClinVar:

ClinVar aggregate classification (germline): Conflicting classifications of pathogenicity. Review status: criteria provided, conflicting classifications (1 of 4 stars). 2 submissions from 2 submitters: Uncertain significance (1); Likely benign (1). Last evaluated 2025-10-05.

Submissions (2):

Labcorp Genetics (formerly Invitae), Labcorp
Classification: Uncertain significance. Last evaluated: 2025-10-05. Review status: criteria provided, single submitter. Criteria: Invitae Variant Classification Sherloc (09022015). Collection method: clinical testing. Allele origin: germline.
Comment: This sequence change affects codon 65 of the THBD mRNA. It is a 'silent' change, meaning that it does not change the encoded amino acid sequence of the THBD protein. This variant is not present in population databases (gnomAD no frequency). This variant has not been reported in the literature in individuals affected with THBD-related conditions. In summary, the available evidence is currently insufficient to determine the role of this variant in disease. Therefore, it has been classified as a Variant of Uncertain Significance.

Blueprint Genetics
Classification: Likely benign. Last evaluated: 2021-01-11. Review status: criteria provided, single submitter. Criteria: ACMG Guidelines, 2015. Collection method: clinical testing. Allele origin: germline.

NM_000361.3(THBD):c.195G>C (p.Ser65=)

Gene: THBD (thrombomodulin; minus strand). Cytogenetic location: 20p11.21.
Variant type: single nucleotide variant.
Coding change: c.195G>C on transcript NM_000361.3 (MANE Select); coding-DNA position 195, G replaced by C.
Protein change: p.Ser65=; no amino-acid change (serine 65 retained).
Molecular consequence: synonymous variant.
Genome position (GRCh38, 1-based): chr20:23,049,310, C>G on the plus strand (G>C on the coding strand, the complement: THBD is on the minus strand). VCF-style: chr20-23049310-C-G. GRCh37 (hg19) VCF-style: chr20-23029947-C-G.
Identifiers: ClinVar variation 4776267 (VCV004776267.2).